The following is an entry in ClinVar:

ClinVar aggregate classification (germline): Uncertain significance (1 of 4 stars; one submission).

Submission:

Labcorp Genetics (formerly Invitae), Labcorp
Classification: Uncertain significance. Last evaluated: 2022-10-13. Review status: criteria provided, single submitter. Criteria: Invitae Variant Classification Sherloc (09022015). Collection method: clinical testing. Allele origin: germline.
Comment: In summary, the available evidence is currently insufficient to determine the role of this variant in disease. Therefore, it has been classified as a Variant of Uncertain Significance. Advanced modeling of protein sequence and biophysical properties (such as structural, functional, and spatial information, amino acid conservation, physicochemical variation, residue mobility, and thermodynamic stability) has been performed at Invitae for this missense variant, however the output from this modeling did not meet the statistical confidence thresholds required to predict the impact of this variant on TYR protein function. This variant has not been reported in the literature in individuals affected with TYR-related conditions. This variant is not present in population databases (gnomAD no frequency). This sequence change replaces aspartic acid, which is acidic and polar, with glycine, which is neutral and non-polar, at codon 317 of the TYR protein (p.Asp317Gly).

NM_000372.5(TYR):c.950A>G (p.Asp317Gly)

Gene: TYR (tyrosinase; plus strand). Cytogenetic location: 11q14.3.
Variant type: single nucleotide variant.
Coding change: c.950A>G on transcript NM_000372.5 (MANE Select); coding-DNA position 950, A replaced by G.
Protein change: p.Asp317Gly; replaces aspartic acid 317 with glycine.
Molecular consequence: missense variant.
Genome position (GRCh38, 1-based): chr11:89,191,332, A>G. VCF-style: chr11-89191332-A-G. GRCh37 (hg19) VCF-style: chr11-88924500-A-G.
Other names: short protein forms D317G.
Identifiers: ClinVar variation 1983385 (VCV001983385.4), dbSNP rs750808134, ClinGen allele CA382035933.